The following is an entry in ClinVar:

ClinVar aggregate classification (germline): Uncertain significance (1 of 4 stars; one submission).

Conditions:
Peroxisome biogenesis disorder, complementation group 7 (CG7). Also called: Peroxisome biogenesis disorder, complementation group B. Identifiers: MedGen C1864399.

Submission:

Labcorp Genetics (formerly Invitae), Labcorp
Classification: Uncertain significance for Peroxisome biogenesis disorder, complementation group 7. Last evaluated: 2021-01-08. Review status: criteria provided, single submitter. Criteria: Invitae Variant Classification Sherloc (09022015). Collection method: clinical testing. Allele origin: germline.
Comment: Algorithms developed to predict the effect of missense changes on protein structure and function output the following: SIFT: "Tolerated"; PolyPhen-2: "Benign"; Align-GVGD: "Class C0". The leucine amino acid residue is found in multiple mammalian species, suggesting that this missense change does not adversely affect protein function. These predictions have not been confirmed by published functional studies and their clinical significance is uncertain. In summary, the available evidence is currently insufficient to determine the role of this variant in disease. Therefore, it has been classified as a Variant of Uncertain Significance. This sequence change replaces valine with leucine at codon 94 of the PEX10 protein (p.Val94Leu). The valine residue is moderately conserved and there is a small physicochemical difference between valine and leucine. This variant is not present in population databases (ExAC no frequency). This variant has not been reported in the literature in individuals with PEX10-related conditions.

NM_002617.4(PEX10):c.280G>C (p.Val94Leu)

Gene: PEX10 (peroxisomal biogenesis factor 10; minus strand). Cytogenetic location: 1p36.32.
Variant type: single nucleotide variant.
Coding change: c.280G>C on transcript NM_002617.4 (MANE Select); coding-DNA position 280, G replaced by C.
Protein change: p.Val94Leu; replaces valine 94 with leucine.
Molecular consequence: missense variant. On other transcripts: 5 prime UTR variant (2), non-coding transcript variant (1).
Genome position (GRCh38, 1-based): chr1:2,408,772, C>G on the plus strand (G>C on the coding strand, the complement: PEX10 is on the minus strand). VCF-style: chr1-2408772-C-G. GRCh37 (hg19) VCF-style: chr1-2340211-C-G.
Other names: c.280G>C, p.Val94Leu (NM_001374425.1, NM_153818.2); c.-153G>C (NM_001374426.1, NM_001374427.1); short protein forms V94L.
Identifiers: ClinVar variation 1477501 (VCV001477501.8), dbSNP rs142626035, ClinGen allele CA337988810.